The following is an entry in ClinVar:

NM_001009944.3(PKD1):c.10107C>T (p.Ser3369=)

Gene: PKD1 (polycystin 1, transient receptor potential channel interacting; minus strand). Cytogenetic location: 16p13.3.
Variant type: single nucleotide variant.
Coding change: c.10107C>T on transcript NM_001009944.3 (MANE Select); coding-DNA position 10107, C replaced by T.
Protein change: p.Ser3369=; no amino-acid change (serine 3369 retained).
Molecular consequence: synonymous variant.
Genome position (GRCh38, 1-based): chr16:2,097,928, G>A on the plus strand (C>T on the coding strand, the complement: PKD1 is on the minus strand). VCF-style: chr16-2097928-G-A. GRCh37 (hg19) VCF-style: chr16-2147929-G-A.
Other names: c.10107C>T, p.Ser3369= (NM_000296.4).
Identifiers: ClinVar variation 4980325 (VCV004980325.1).

ClinVar aggregate classification (germline): Likely benign (1 of 4 stars; one submission).

Conditions:
PKD1-related disorder. Also called: PKD1-related condition.

Submission:

PreventionGenetics, part of Exact Sciences
Classification: Likely benign for PKD1-related condition. Last evaluated: 2026-03-30. Review status: criteria provided, single submitter. Criteria: ACMG Guidelines, 2015. Collection method: clinical testing. Allele origin: germline.
Comment: This variant is classified as likely benign based on ACMG/AMP sequence variant interpretation guidelines (Richards et al. 2015 PMID: 25741868, with internal and published modifications).